The following is an entry in ClinVar:

ClinVar aggregate classification (germline): Pathogenic (1 of 4 stars; one submission).

Allele frequency attached by ClinVar (database versions not stated): ExAC 0.00001; gnomAD exomes 0.00001; gnomAD 0.00002; TOPMed 0.00002.
gnomAD v4.1: 8 of 1,613,744 alleles (0.0005%); highest among the groups gnomAD compares: East Asian, 0.011%; no homozygotes.

Submission:

Center for Basic Medical Research, TEDA International Cardiovascular Hospital
Classification: Pathogenic. Last evaluated: 2016-06-01. Review status: criteria provided, single submitter. Criteria: ACMG Guidelines, 2015. Collection method: in vitro, case-control. Allele origin: not applicable. Functional consequence: effect on regulatory function of DNA.
Comment: TBX5 gene acts as a transcription factor to adjust the growth and development process of embryos, especially in the heart development. In our study, we found a novel nonsynonymous mutation of TBX5 (c.40C>A, p.Pro14Thr) in the isolated ventricular septal defect. Polyphen2, SIFT and Mutation Taster were used to predict mutation, the results are highly consistent that this mutated protein is damaging and the Proline of TBX5 is highly conservative in different species. Owing to the reasons above, it is possible that this novel heterozygous missense mutation of TBX5 is highly deleterious, and it may be one of the etiological causes for the isolated VSD in the Chinese population.

NM_181486.4(TBX5):c.40C>A (p.Pro14Thr)

Gene: TBX5 (T-box transcription factor 5; minus strand). Cytogenetic location: 12q24.21.
Variant type: single nucleotide variant.
Coding change: c.40C>A on transcript NM_181486.4 (MANE Select); coding-DNA position 40, C replaced by A.
Protein change: p.Pro14Thr; replaces proline 14 with threonine.
Molecular consequence: missense variant. On other transcripts: intron variant (1).
Genome position (GRCh38, 1-based): chr12:114,403,859, G>T on the plus strand (C>A on the coding strand, the complement: TBX5 is on the minus strand). VCF-style: chr12-114403859-G-T. GRCh37 (hg19) VCF-style: chr12-114841664-G-T.
Other names: c.40C>A, p.Pro14Thr (NM_000192.3); c.-3-1939C>A (NM_080717.4); short protein forms P14T.
Identifiers: ClinVar variation 446369 (VCV000446369.4), dbSNP rs773397553, ClinGen allele CA6809738.